The following is an entry in ClinVar:

ClinVar aggregate classification (germline): Uncertain significance. Review status: criteria provided, multiple submitters, no conflicts (2 of 4 stars). 2 submissions from 2 submitters: Uncertain significance (2). Last evaluated 2025-09-03.

Conditions:
Inborn genetic diseases. Identifiers: MedGen C0950123, MeSH D030342.

Allele frequency attached by ClinVar (database versions not stated): gnomAD exomes below 0.00001; TOPMed 0.00002; gnomAD 0.00002.
gnomAD v4.1: 4 of 1,613,992 alleles (0.00025%); highest among the groups gnomAD compares: Admixed American, 0.0033%; no homozygotes.

Submissions (2):

Labcorp Genetics (formerly Invitae), Labcorp
Classification: Uncertain significance. Last evaluated: 2025-09-03. Review status: criteria provided, single submitter. Criteria: Invitae Variant Classification Sherloc (09022015). Collection method: clinical testing. Allele origin: germline.
Comment: This sequence change replaces glutamic acid, which is acidic and polar, with glycine, which is neutral and non-polar, at codon 84 of the EMC1 protein (p.Glu84Gly). This variant is present in population databases (no rsID available, gnomAD 0.01%). This variant has not been reported in the literature in individuals affected with EMC1-related conditions. ClinVar contains an entry for this variant (Variation ID: 2001880). Invitae Evidence Modeling of protein sequence and biophysical properties (such as structural, functional, and spatial information, amino acid conservation, physicochemical variation, residue mobility, and thermodynamic stability) indicates that this missense variant is not expected to disrupt EMC1 protein function with a negative predictive value of 80%. In summary, the available evidence is currently insufficient to determine the role of this variant in disease. Therefore, it has been classified as a Variant of Uncertain Significance.

Ambry Genetics
Classification: Uncertain significance for Inborn genetic diseases. Last evaluated: 2025-08-01. Review status: criteria provided, single submitter. Criteria: Ambry Variant Classification Scheme 2023. Collection method: clinical testing. Allele origin: germline.

NM_015047.3(EMC1):c.251A>G (p.Glu84Gly)

Gene: EMC1 (ER membrane protein complex subunit 1; minus strand). Cytogenetic location: 1p36.13.
Variant type: single nucleotide variant.
Coding change: c.251A>G on transcript NM_015047.3 (MANE Select); coding-DNA position 251, A replaced by G.
Protein change: p.Glu84Gly; replaces glutamic acid 84 with glycine.
Molecular consequence: missense variant. On other transcripts: intron variant (1).
Genome position (GRCh38, 1-based): chr1:19,243,985, T>C on the plus strand (A>G on the coding strand, the complement: EMC1 is on the minus strand). VCF-style: chr1-19243985-T-C. GRCh37 (hg19) VCF-style: chr1-19570479-T-C.
Other names: c.251A>G, p.Glu84Gly (NM_001271427.2, NM_001271428.2, NM_001375820.1 and 1 more transcripts); c.221-278A>G (NM_001271429.2); c.251A>G (NM_015047.1); short protein forms E84G.
Identifiers: ClinVar variation 2001880 (VCV002001880.5), dbSNP rs1056629023, ClinGen allele CA18824107.